The following is an entry in ClinVar:

NM_012123.4(MTO1):c.1510G>A (p.Ala504Thr)

Gene: MTO1 (mitochondrial tRNA translation optimization 1; plus strand). Cytogenetic location: 6q13.
Variant type: single nucleotide variant.
Coding change: c.1510G>A on transcript NM_012123.4 (MANE Select); coding-DNA position 1510, G replaced by A.
Protein change: p.Ala504Thr; replaces alanine 504 with threonine.
Molecular consequence: missense variant.
Genome position (GRCh38, 1-based): chr6:73,482,493, G>A. VCF-style: chr6-73482493-G-A. GRCh37 (hg19) VCF-style: chr6-74192216-G-A.
Other names: c.1630G>A, p.Ala544Thr (NM_001123226.2); c.1585G>A, p.Ala529Thr (NM_133645.3); short protein forms A504T, A529T, A544T.
Identifiers: ClinVar variation 641163 (VCV000641163.6), dbSNP rs761290955, ClinGen allele CA3889677.

ClinVar aggregate classification (germline): Uncertain significance (1 of 4 stars; one submission).

Conditions:
Mitochondrial hypertrophic cardiomyopathy with lactic acidosis due to MTO1 deficiency. Also called: CARDIOMYOPATHY, INFANTILE HYPERTROPHIC MITOCHONDRIAL, AND LACTIC ACIDOSIS; Combined oxidative phosphorylation deficiency 10. Identifiers: Orphanet 314637, MedGen C4749921, MONDO:0013865, OMIM 614702.

Allele frequency attached by ClinVar (database versions not stated): gnomAD 0.00001; ExAC 0.00002; gnomAD exomes 0.00002; TOPMed 0.00002.
gnomAD v4.1: 25 of 1,613,372 alleles (0.0015%); highest among the groups gnomAD compares: Non-Finnish European, 0.002%; no homozygotes.

Submission:

Labcorp Genetics (formerly Invitae), Labcorp
Classification: Uncertain significance for Mitochondrial hypertrophic cardiomyopathy with lactic acidosis due to MTO1 deficiency. Last evaluated: 2025-12-15. Review status: criteria provided, single submitter. Criteria: Invitae Variant Classification Sherloc (09022015). Collection method: clinical testing. Allele origin: germline.
Comment: This sequence change replaces alanine, which is neutral and non-polar, with threonine, which is neutral and polar, at codon 504 of the MTO1 protein (p.Ala504Thr). This variant is present in population databases (rs761290955, gnomAD 0.004%). This variant has not been reported in the literature in individuals affected with MTO1-related conditions. ClinVar contains an entry for this variant (Variation ID: 641163). Invitae Evidence Modeling of protein sequence and biophysical properties (such as structural, functional, and spatial information, amino acid conservation, physicochemical variation, residue mobility, and thermodynamic stability) indicates that this missense variant is not expected to disrupt MTO1 protein function with a negative predictive value of 95%. In summary, the available evidence is currently insufficient to determine the role of this variant in disease. Therefore, it has been classified as a Variant of Uncertain Significance.